The following is an entry in ClinVar:

NM_001009944.3(PKD1):c.9661del (p.Val3221fs)

Gene: PKD1 (polycystin 1, transient receptor potential channel interacting; minus strand). Cytogenetic location: 16p13.3.
Variant type: Deletion.
Coding change: c.9661del on transcript NM_001009944.3 (MANE Select); coding-DNA position 9661, one base deleted (G; older notation c.9661delG).
Protein change: p.Val3221fs; shifts the reading frame from valine 3221.
Molecular consequence: frameshift variant.
Genome position (GRCh38, 1-based): chr16:2,100,217, C deleted on the plus strand (G on the coding strand, the reverse complement: PKD1 is on the minus strand); the first of 2 consecutive C bases (chr16:2,100,217-2,100,218); deleting either gives the same sequence. VCF-style (leftmost placement, unchanged base first): chr16-2100216-AC-A. GRCh37 (hg19) VCF-style: chr16-2150217-AC-A.
Other names: c.9661del, p.Val3221fs (NM_000296.4); short protein forms V3221fs.
Identifiers: ClinVar variation 3236384 (VCV003236384.1), dbSNP rs2544715545, ClinGen allele CA2825002364.

ClinVar aggregate classification (germline): Pathogenic (1 of 4 stars; one submission).

Conditions:
Polycystic kidney disease, adult type (PKD1). Also called: Polycystic Kidney Disease 1, Autosomal Dominant; Polycystic kidney disease 1; Polycystic kidney disease 1, severe; Polycystic Kidney, Autosomal Dominant; POLYCYSTIC KIDNEY DISEASE 1 WITH OR WITHOUT POLYCYSTIC LIVER DISEASE; POLYCYSTIC KIDNEY DISEASE, ADULT, TYPE I. Identifiers: MedGen C3149841, MONDO:0008263, OMIM 173900.

Submission:

MVZ Medizinische Genetik Mainz
Classification: Pathogenic for Polycystic kidney disease, adult type. Last evaluated: 2022-11-23. Review status: criteria provided, single submitter. Criteria: UK Practice Guidelines For Variant Classification V4 01 2020. Collection method: clinical testing. Allele origin: germline. Inheritance: Autosomal dominant inheritance. Affected: yes. Observed: 2 variant alleles.
Comment: ACMG Criteria: PVS1, PS4_SUP, PM2_SUP, PP4